The following is an entry in ClinVar:

NM_153676.4(USH1C):c.496+6T>G

Gene: USH1C (USH1 protein network component harmonin; minus strand). Cytogenetic location: 11p15.1.
Variant type: single nucleotide variant.
Coding change: c.496+6T>G on transcript NM_153676.4 (MANE Select); 6 bases into the intron after coding-DNA position 496, T replaced by G.
Molecular consequence: intron variant.
Genome position (GRCh38, 1-based): chr11:17,527,217, A>C on the plus strand (T>G on the coding strand, the complement: USH1C is on the minus strand). VCF-style: chr11-17527217-A-C. GRCh37 (hg19) VCF-style: chr11-17548764-A-C.
Other names: c.496+6T>G (NM_001297764.2, NM_005709.4).
Identifiers: ClinVar variation 2197574 (VCV002197574.1), dbSNP rs1303183212, ClinGen allele CA597668931.

ClinVar aggregate classification (germline): Uncertain significance (1 of 4 stars; one submission).

Submission:

Labcorp Genetics (formerly Invitae), Labcorp
Classification: Uncertain significance. Last evaluated: 2020-11-24. Review status: criteria provided, single submitter. Criteria: Invitae Variant Classification Sherloc (09022015). Collection method: clinical testing. Allele origin: germline.
Comment: This sequence change falls in intron 5 of the USH1C gene. It does not directly change the encoded amino acid sequence of the USH1C protein, but it affects a nucleotide within the consensus splice site of the intron. This variant is not present in population databases (ExAC no frequency). This variant has not been reported in the literature in individuals with USH1C-related disease. Nucleotide substitutions within the consensus splice site are a relatively common cause of aberrant splicing (PMID: 17576681, 9536098). Algorithms developed to predict the effect of sequence changes on RNA splicing suggest that this variant may disrupt the consensus splice site, but this prediction has not been confirmed by published transcriptional studies. In summary, the available evidence is currently insufficient to determine the role of this variant in disease. Therefore, it has been classified as a Variant of Uncertain Significance.

Literature cited by the submitters: PubMed 17576681; PubMed 9536098.